The following is an entry in ClinVar:

ClinVar aggregate classification (germline): Pathogenic. Review status: criteria provided, multiple submitters, no conflicts (2 of 4 stars). 2 submissions from 2 submitters: Pathogenic (2). Last evaluated 2023-05-11.

Submissions (2):

GeneDx
Classification: Pathogenic. Last evaluated: 2023-05-11. Review status: criteria provided, single submitter. Criteria: GeneDx Variant Classification Process June 2021. Collection method: clinical testing. Allele origin: germline. Affected: yes.
Comment: Nonsense variant predicted to result in protein truncation or nonsense mediated decay in a gene for which loss of function is a known mechanism of disease; Not observed at significant frequency in large population cohorts (gnomAD); Has not been previously published as pathogenic or benign to our knowledge

Labcorp Genetics (formerly Invitae), Labcorp
Classification: Pathogenic. Last evaluated: 2022-11-01. Review status: criteria provided, single submitter. Criteria: Invitae Variant Classification Sherloc (09022015). Collection method: clinical testing. Allele origin: germline.
Comment: For these reasons, this variant has been classified as Pathogenic. ClinVar contains an entry for this variant (Variation ID: 523803). This variant has not been reported in the literature in individuals affected with KMT2A-related conditions. This variant is not present in population databases (gnomAD no frequency). This sequence change creates a premature translational stop signal (p.Arg3232*) in the KMT2A gene. It is expected to result in an absent or disrupted protein product. Loss-of-function variants in KMT2A are known to be pathogenic (PMID: 22795537, 25574841, 25810209, 28120103, 29574747, 31157197, 31337854).

Literature cited by the submitters: PubMed 22795537 (cited by Labcorp Genetics (formerly Invitae), Labcorp); PubMed 25574841 (cited by Labcorp Genetics (formerly Invitae), Labcorp); PubMed 25810209 (cited by Labcorp Genetics (formerly Invitae), Labcorp); PubMed 28120103 (cited by Labcorp Genetics (formerly Invitae), Labcorp); PubMed 29574747 (cited by Labcorp Genetics (formerly Invitae), Labcorp); PubMed 31157197 (cited by Labcorp Genetics (formerly Invitae), Labcorp); PubMed 31337854 (cited by Labcorp Genetics (formerly Invitae), Labcorp).

NM_001197104.2(KMT2A):c.9694C>T (p.Arg3232Ter)

Gene: KMT2A (lysine methyltransferase 2A; plus strand). Cytogenetic location: 11q23.3.
Variant type: single nucleotide variant.
Coding change: c.9694C>T on transcript NM_001197104.2 (MANE Select); coding-DNA position 9694, C replaced by T.
Protein change: p.Arg3232Ter; replaces arginine 3232 with a stop codon.
Molecular consequence: nonsense.
Genome position (GRCh38, 1-based): chr11:118,505,586, C>T. VCF-style: chr11-118505586-C-T. GRCh37 (hg19) VCF-style: chr11-118376301-C-T.
Other names: c.9685C>T, p.Arg3229Ter (NM_005933.4); short protein forms R3232*, R3229*.
Identifiers: ClinVar variation 523803 (VCV000523803.12), dbSNP rs782690725, ClinGen allele CA382821419.